The following is an entry in ClinVar:

NM_001830.4(CLCN4):c.1945G>T (p.Ala649Ser)

Gene: CLCN4 (Cl-/H+ antiporter 4; plus strand). Cytogenetic location: Xp22.2.
Variant type: single nucleotide variant.
Coding change: c.1945G>T on transcript NM_001830.4 (MANE Select); coding-DNA position 1945, G replaced by T.
Protein change: p.Ala649Ser; replaces alanine 649 with serine.
Molecular consequence: missense variant.
Genome position (GRCh38, 1-based): chrX:10,214,049, G>T. VCF-style: chrX-10214049-G-T. GRCh37 (hg19) VCF-style: chrX-10182089-G-T.
Other names: c.1663G>T, p.Ala555Ser (NM_001256944.2); short protein forms A555S, A649S.
Identifiers: ClinVar variation 4082973 (VCV004082973.2).

ClinVar aggregate classification (germline): Uncertain significance (1 of 4 stars; one submission).

gnomAD v4.1: 1 of 1,183,440 alleles (0.000084%); highest among the groups gnomAD compares: East Asian, 0.003%; no homozygotes.

Submission:

GeneDx
Classification: Uncertain significance. Last evaluated: 2026-10-19. Review status: criteria provided, single submitter. Criteria: GeneDx Variant Classification Process June 2021. Collection method: clinical testing. Allele origin: germline.
Comment: Not observed at significant frequency in large population cohorts (gnomAD); In silico analysis suggests that this missense variant does not alter protein structure/function; Has not been previously published as pathogenic or benign to our knowledge